The following is an entry in ClinVar:

NM_000051.4(ATM):c.6828T>A (p.Phe2276Leu)

Genes: ATM (ATM serine/threonine kinase; plus strand), C11orf65 (chromosome 11 open reading frame 65; minus strand). Cytogenetic location: 11q22.3.
Variant type: single nucleotide variant.
Coding change: c.6828T>A on transcript NM_000051.4 (MANE Select); coding-DNA position 6828, T replaced by A.
Protein change: p.Phe2276Leu; replaces phenylalanine 2276 with leucine.
Molecular consequence: missense variant. On other transcripts: intron variant (2).
Genome position (GRCh38, 1-based): chr11:108,326,078, T>A. VCF-style: chr11-108326078-T-A. GRCh37 (hg19) VCF-style: chr11-108196805-T-A.
Other names: c.6828T>A, p.Phe2276Leu (NM_001351834.2); c.641-17007A>T (NM_001330368.2); c.*38+9142A>T (NM_001351110.2); short protein forms F2276L.
Identifiers: ClinVar variation 826646 (VCV000826646.15), dbSNP rs1225138469, ClinGen allele CA382556538.

ClinVar aggregate classification (germline): Uncertain significance. Review status: criteria provided, multiple submitters, no conflicts (2 of 4 stars). 2 submissions from 2 submitters: Uncertain significance (2). Last evaluated 2024-07-23.

Conditions:
Hereditary cancer-predisposing syndrome. Also called: Tumor predisposition; Neoplastic Syndromes, Hereditary; Hereditary Cancer Syndrome; Hereditary neoplastic syndrome. Identifiers: Orphanet 140162, MedGen C0027672, MeSH D009386, MONDO:0015356.
Ataxia-telangiectasia syndrome (AT). Also called: ATAXIA-TELANGIECTASIA, COMPLEMENTATION GROUP A; ATAXIA-TELANGIECTASIA, FRESNO VARIANT; Ataxia-telangiectasia; Ataxia-telangiectasia, complementation group D; AT, COMPLEMENTATION GROUP C; Ataxia-telangiectasia, complementation group E. Identifiers: Orphanet 100, MedGen C0004135, MONDO:0008840, OMIM 208900.

Allele frequency attached by ClinVar (database versions not stated): gnomAD exomes below 0.00001; TOPMed below 0.00001.
gnomAD v4.1: 1 of 1,614,136 alleles (0.000062%); highest among the groups gnomAD compares: Non-Finnish European, 0.000085%; no homozygotes.

Submissions (2):

Ambry Genetics
Classification: Uncertain significance for Hereditary cancer-predisposing syndrome. Last evaluated: 2024-07-23. Review status: criteria provided, single submitter. Criteria: Ambry Variant Classification Scheme 2023. Collection method: clinical testing. Allele origin: germline.
Comment: The p.F2276L variant (also known as c.6828T>A), located in coding exon 46 of the ATM gene, results from a T to A substitution at nucleotide position 6828. The phenylalanine at codon 2276 is replaced by leucine, an amino acid with highly similar properties. This amino acid position is well conserved in available vertebrate species. In addition, this alteration is predicted to be tolerated by in silico analysis. Based on the available evidence, the clinical significance of this variant remains unclear.

Labcorp Genetics (formerly Invitae), Labcorp
Classification: Uncertain significance for Ataxia-telangiectasia syndrome. Last evaluated: 2022-02-19. Review status: criteria provided, single submitter. Criteria: Invitae Variant Classification Sherloc (09022015). Collection method: clinical testing. Allele origin: germline.
Comment: ClinVar contains an entry for this variant (Variation ID: 826646). This variant has not been reported in the literature in individuals affected with ATM-related conditions. This variant is present in population databases (no rsID available, gnomAD 0.0009%). This sequence change replaces phenylalanine, which is neutral and non-polar, with leucine, which is neutral and non-polar, at codon 2276 of the ATM protein (p.Phe2276Leu). Advanced modeling of protein sequence and biophysical properties (such as structural, functional, and spatial information, amino acid conservation, physicochemical variation, residue mobility, and thermodynamic stability) performed at Invitae indicates that this missense variant is not expected to disrupt ATM protein function. In summary, the available evidence is currently insufficient to determine the role of this variant in disease. Therefore, it has been classified as a Variant of Uncertain Significance.